The following is an entry in ClinVar:

ClinVar aggregate classification (germline): Likely benign. Review status: criteria provided, multiple submitters, no conflicts (2 of 4 stars). 3 submissions from 3 submitters: Likely benign (3). Last evaluated 2025-10-14.

Conditions:
Kabuki syndrome. Also called: Kabuki make-up syndrome; NIIKAWA-KUROKI SYNDROME. Identifiers: Orphanet 2322, MedGen C0796004, MONDO:0016512.
KMT2D-related disorder. Also called: KMT2D-Related Disorders.

Allele frequency attached by ClinVar (database versions not stated): ExAC 0.00002; gnomAD exomes 0.00002; TOPMed 0.00002; gnomAD 0.00004 and 0.00005.
gnomAD v4.1: 30 of 1,613,296 alleles (0.0019%); highest among the groups gnomAD compares: Admixed American, 0.005%; no homozygotes.

Submissions (3):

PreventionGenetics, part of Exact Sciences
Classification: Likely benign for KMT2D-related condition. Last evaluated: 2025-10-14. Review status: criteria provided, single submitter. Criteria: ACMG Guidelines, 2015. Collection method: clinical testing. Allele origin: germline.
Comment: This variant is classified as likely benign based on ACMG/AMP sequence variant interpretation guidelines (Richards et al. 2015 PMID: 25741868, with internal and published modifications).

Labcorp Genetics (formerly Invitae), Labcorp
Classification: Likely benign for Kabuki syndrome. Last evaluated: 2025-10-09. Review status: criteria provided, single submitter. Criteria: Invitae Variant Classification Sherloc (09022015). Collection method: clinical testing. Allele origin: germline.

Laboratory of Genetics, Children's Clinical University Hospital Latvia
Classification: Likely benign. Last evaluated: 2025-02-16. Review status: criteria provided, single submitter. Criteria: ACMG Guidelines, 2015. Collection method: clinical testing. Allele origin: germline. Affected: yes.

NM_003482.4(KMT2D):c.8934T>G (p.Pro2978=)

Gene: KMT2D (lysine methyltransferase 2D; minus strand). Cytogenetic location: 12q13.12.
Variant type: single nucleotide variant.
Coding change: c.8934T>G on transcript NM_003482.4 (MANE Select); coding-DNA position 8934, T replaced by G.
Protein change: p.Pro2978=; no amino-acid change (proline 2978 retained).
Molecular consequence: synonymous variant.
Genome position (GRCh38, 1-based): chr12:49,038,422, A>C on the plus strand (T>G on the coding strand, the complement: KMT2D is on the minus strand). VCF-style: chr12-49038422-A-C. GRCh37 (hg19) VCF-style: chr12-49432205-A-C.
Other names: c.8934T>G (NM_003482.3).
Identifiers: ClinVar variation 1533649 (VCV001533649.10), dbSNP rs777589763, ClinGen allele CA6546766.
Genomic context (GRCh38, chr12:49,038,422, plus strand): 5'-ATCAAAATCGTCATCCAGCTCGGGATCCTCACAGGGCAACTTCCCAGCTTCCAGGGCCAG[A>C]GGATTGGGGCGGCCAAGCTCAGTGCTCGACGGGGGCCGGTTGACCAGCTCCAAACCAGTT-3'
Protein context (NP_003473.3, residues 2968-2988): PSSTELGRPN[Pro2978=]LALEAGKLPC